The following is an entry in ClinVar:

ClinVar aggregate classification (germline): Pathogenic (1 of 4 stars; one submission).

Conditions:
Retinoblastoma (RB1). Also called: RETINOBLASTOMA, SOMATIC. Identifiers: Orphanet 790, MedGen C0035335, MeSH D012175, MONDO:0008380, OMIM 180200, HP:0009919. Disease mechanism: loss of function. Inheritance: Both sporadic and heritable forms are tested..

Submission:

Genetic Diagnostic Laboratory, University of Pennsylvania School of Medicine
Classification: Pathogenic for Retinoblastoma. Last evaluated: 2024-05-20. Review status: criteria provided, single submitter. Criteria: ACMG Guidelines, 2015. Collection method: clinical testing. Allele origin: germline. Affected: yes. Observed: 2 variant alleles.
Comment: Case and Pedigree Information: BILATERAL CASES:2, UNILATERAL CASES:0, TOTAL CASES:2, PEDIGREES:1. ACMG Codes Applied:PVS1, PM2

NM_000321.3(RB1):c.281del (p.Lys94fs)

Gene: RB1 (RB transcriptional corepressor 1; plus strand). Cytogenetic location: 13q14.2.
Variant type: Deletion.
Coding change: c.281del on transcript NM_000321.3 (MANE Select); coding-DNA position 281, one base deleted (A; older notation c.281delA).
Protein change: p.Lys94fs; shifts the reading frame from lysine 94.
Molecular consequence: frameshift variant.
Genome position (GRCh38, 1-based): chr13:48,342,615, A deleted; the last of 4 consecutive A bases (chr13:48,342,612-48,342,615); deleting any one gives the same sequence. VCF-style (leftmost placement, unchanged base first): chr13-48342611-CA-C. GRCh37 (hg19) VCF-style: chr13-48916747-CA-C.
Other names: c.281del, p.Lys94fs (NM_001407165.1, NM_001407166.1); short protein forms K94fs.
Identifiers: ClinVar variation 3237118 (VCV003237118.1), dbSNP rs1131690862.